The following is an entry in ClinVar:

ClinVar aggregate classification (germline): Uncertain significance (1 of 4 stars; one submission).

Submission:

Women's Health and Genetics/Laboratory Corporation of America, LabCorp
Classification: Uncertain significance. Last evaluated: 2026-01-12. Review status: criteria provided, single submitter. Criteria: LabCorp Variant Classification Summary - May 2015. Collection method: clinical testing. Allele origin: germline.
Comment: Variant summary: TK2 c.31_33delGCC (p.Ala11del) results in an in-frame deletion that is predicted to remove one amino acid from the encoded protein. The variant allele was found at a frequency of 6.6e-06 in 151340 control chromosomes. The available data on variant occurrences in the general population are insufficient to allow any conclusion about variant significance. To our knowledge, no occurrence of c.31_33delGCC in individuals affected with TK2-related conditions and no experimental evidence demonstrating its impact on protein function have been reported. No submitters have cited clinical-significance assessments for this variant to ClinVar. Based on the evidence outlined above, the variant was classified as uncertain significance.

NM_004614.5(TK2):c.28GCC[1] (p.Ala11del)

Genes: TK2 (thymidine kinase 2; minus strand), LOC130059156 (ATAC-STARR-seq lymphoblastoid silent region 7560; plus strand). Cytogenetic location: 16q21.
Variant type: Microsatellite.
Coding change: c.28GCC[1] on transcript NM_004614.5 (MANE Select); one copy of the 3-base unit GCC starting at c.28; the reference has two copies in a row; one copy, 3 bases deleted.
Protein change: p.Ala11del; deletes alanine 11.
Molecular consequence: inframe deletion. On other transcripts: 5 prime UTR variant (2), non-coding transcript variant (1), intron variant (2).
Genome position (GRCh38, 1-based): chr16:66,550,029-66,550,031, GGC deleted on the plus strand (GCC on the coding strand, the reverse complement: TK2 is on the minus strand); deleting any 3 consecutive bases within chr16:66,550,029-66,550,034 gives the same sequence; the position shown is the placement nearest the transcript's 3' end. VCF-style (leftmost placement, unchanged base first): chr16-66550028-GGGC-G. GRCh37 (hg19) VCF-style: chr16-66583931-GGGC-G.
Other names: c.28GCC[1], p.Ala11del (NM_001172644.2, NM_001172645.2); c.-215GCC[1] (NM_001271934.2); c.-625GCC[1] (NM_001272050.2); c.31+222_31+224del (NM_001271935.1, NM_001172643.1); c.31_33delGCC (NM_004614.5); short protein forms A11del.
Identifiers: ClinVar variation 4689485 (VCV004689485.1).